The following is an entry in ClinVar:

NM_005120.3(MED12):c.1310T>C (p.Val437Ala)

Genes: MED12 (mediator complex subunit 12; plus strand), LOC126863275 (BRD4-independent group 4 enhancer GRCh37_chrX:70342400-70343599; plus strand). Cytogenetic location: Xq13.1.
Variant type: single nucleotide variant.
Coding change: c.1310T>C on transcript NM_005120.3 (MANE Select); coding-DNA position 1310, T replaced by C.
Protein change: p.Val437Ala; replaces valine 437 with alanine.
Molecular consequence: missense variant.
Genome position (GRCh38, 1-based): chrX:71,122,569, T>C. VCF-style: chrX-71122569-T-C. GRCh37 (hg19) VCF-style: chrX-70342419-T-C.
Other names: short protein forms V437A.
Identifiers: ClinVar variation 4795535 (VCV004795535.1).
Genomic context (GRCh38, chrX:71,122,569, plus strand): 5'-TCCGTGCAAAGTTGCGGGAGATCGAGCAGCAGATCAAGGAGCGGGGACAGGCAGTTGAAG[T>C]TCGCTGGTCTTTCGATAAATGCCAGGAAGCTACTGCAGGTATGTGTCAGAGAACAGATAA-3'
Protein context (NP_005111.2, residues 427-447): QIKERGQAVE[Val437Ala]RWSFDKCQEA

ClinVar aggregate classification (germline): Uncertain significance (1 of 4 stars; one submission).

Submission:

GeneDx
Classification: Uncertain significance. Last evaluated: 2025-08-11. Review status: criteria provided, single submitter. Criteria: GeneDx Variant Classification Process June 2021. Collection method: clinical testing. Allele origin: germline. Affected: yes.
Comment: Not observed at significant frequency in large population cohorts (gnomAD); In silico analysis suggests that this missense variant does not alter protein structure/function; Has not been previously published as pathogenic or benign to our knowledge